The following is an entry in ClinVar:

ClinVar aggregate classification (germline): Uncertain significance (1 of 4 stars; one submission).

Conditions:
Familial adenomatous polyposis 1 (FAP1). Also called: POLYPOSIS, ADENOMATOUS INTESTINAL; FAMILIAL ADENOMATOUS POLYPOSIS 1, ATTENUATED. Identifiers: MedGen C2713442, MONDO:0021056, OMIM 175100. Disease mechanism: loss of function.

Submission:

Labcorp Genetics (formerly Invitae), Labcorp
Classification: Uncertain significance for Familial adenomatous polyposis 1. Last evaluated: 2023-09-12. Review status: criteria provided, single submitter. Criteria: Invitae Variant Classification Sherloc (09022015). Collection method: clinical testing. Allele origin: germline.
Comment: In summary, the available evidence is currently insufficient to determine the role of this variant in disease. Therefore, it has been classified as a Variant of Uncertain Significance. Advanced modeling of protein sequence and biophysical properties (such as structural, functional, and spatial information, amino acid conservation, physicochemical variation, residue mobility, and thermodynamic stability) has been performed at Invitae for this missense variant, however the output from this modeling did not meet the statistical confidence thresholds required to predict the impact of this variant on APC protein function. This variant has not been reported in the literature in individuals affected with APC-related conditions. This variant is not present in population databases (gnomAD no frequency). This sequence change replaces serine, which is neutral and polar, with arginine, which is basic and polar, at codon 966 of the APC protein (p.Ser966Arg).

NM_000038.6(APC):c.2896A>C (p.Ser966Arg)

Gene: APC (APC regulator of Wnt signaling pathway; plus strand). Cytogenetic location: 5q22.2.
Variant type: single nucleotide variant.
Coding change: c.2896A>C on transcript NM_000038.6 (MANE Select); coding-DNA position 2896, A replaced by C.
Protein change: p.Ser966Arg; replaces serine 966 with arginine.
Molecular consequence: missense variant. On other transcripts: non-coding transcript variant (2).
Genome position (GRCh38, 1-based): chr5:112,838,490, A>C. VCF-style: chr5-112838490-A-C. GRCh37 (hg19) VCF-style: chr5-112174187-A-C.
Other names: c.2896A>C, p.Ser966Arg (NM_001127510.3, NM_001354895.2, NM_001407450.1); c.2842A>C, p.Ser948Arg (NM_001127511.3); c.2950A>C, p.Ser984Arg (NM_001354896.2, NM_001407447.1, NM_001407448.1 and 1 more transcripts); c.2926A>C, p.Ser976Arg (NM_001354897.2); c.2821A>C, p.Ser941Arg (NM_001354898.2); c.2812A>C, p.Ser938Arg (NM_001354899.2); c.2773A>C, p.Ser925Arg (NM_001354900.2); c.2719A>C, p.Ser907Arg (NM_001354901.2, NM_001407453.1); and 11 more; short protein forms S806R, S865R, S907R, S925R, S956R, S994R, S582R, S837R.
Identifiers: ClinVar variation 2760224 (VCV002760224.3), dbSNP rs2149879693, ClinGen allele CA16027653.
Genomic context (GRCh38, chr5:112,838,490, plus strand): 5'-ACATGTTCTATGCCTTATGCCAAATTAGAATACAAGAGATCTTCAAATGATAGTTTAAAT[A>C]GTGTCAGTAGTAGTGATGGTTATGGTAAAAGAGGTCAAATGAAACCCTCGATTGAATCCT-3'
Protein context (NP_000029.2, residues 956-976): YKRSSNDSLN[Ser966Arg]VSSSDGYGKR